The following is an entry in ClinVar:

ClinVar aggregate classification (germline): Uncertain significance (1 of 4 stars; one submission).

Conditions:
Immunodeficiency 23 (IMD23). Also called: IMMUNODEFICIENCY WITH HYPER IgE AND COGNITIVE IMPAIRMENT; IMMUNODEFICIENCY-VASCULITIS-MYOCLONUS SYNDROME. Identifiers: Orphanet 443811, MedGen C4014371, MONDO:0014353, OMIM 615816.

gnomAD v4.1: 12 of 1,613,894 alleles (0.00074%); highest among the groups gnomAD compares: Non-Finnish European, 0.001%; no homozygotes.

Submission:

Labcorp Genetics (formerly Invitae), Labcorp
Classification: Uncertain significance for Immunodeficiency 23. Last evaluated: 2025-10-15. Review status: criteria provided, single submitter. Criteria: Invitae Variant Classification Sherloc (09022015). Collection method: clinical testing. Allele origin: germline.
Comment: This sequence change replaces glycine, which is neutral and non-polar, with serine, which is neutral and polar, at codon 569 of the PGM3 protein (p.Gly569Ser). This variant is not present in population databases (gnomAD no frequency). This variant has not been reported in the literature in individuals affected with PGM3-related conditions. An algorithm developed to predict the effect of missense changes on protein structure and function outputs the following: PolyPhen-2: "Benign". The serine amino acid residue is found in multiple mammalian species, which suggests that this missense change does not adversely affect protein function. In summary, the available evidence is currently insufficient to determine the role of this variant in disease. Therefore, it has been classified as a Variant of Uncertain Significance.

NM_015599.3(PGM3):c.1621G>A (p.Gly541Ser)

Genes: DOP1A (DOP1 leucine zipper like protein A; plus strand), PGM3 (phosphoglucomutase 3; minus strand). Cytogenetic location: 6q14.1.
Variant type: single nucleotide variant.
Coding change: c.1621G>A on transcript NM_015599.3 (MANE Select); coding-DNA position 1621, G replaced by A.
Protein change: p.Gly541Ser; replaces glycine 541 with serine.
Molecular consequence: missense variant. On other transcripts: 3 prime UTR variant (1), non-coding transcript variant (1).
Genome position (GRCh38, 1-based): chr6:83,169,242, C>T on the plus strand (G>A on the coding strand, the complement: PGM3 is on the minus strand). VCF-style: chr6-83169242-C-T. GRCh37 (hg19) VCF-style: chr6-83878961-C-T.
Other names: c.1705G>A, p.Gly569Ser (NM_001199917.2, NM_001367287.1); c.*56G>A (NM_001199918.2); c.1621G>A, p.Gly541Ser (NM_001199919.2); c.1498G>A, p.Gly500Ser (NM_001367286.1); short protein forms G500S, G541S, G569S.
Identifiers: ClinVar variation 4738204 (VCV004738204.1).